The following is an entry in ClinVar:

ClinVar aggregate classification (germline): Uncertain significance (1 of 4 stars; one submission).

Conditions:
Hereditary cancer-predisposing syndrome. Also called: Neoplastic Syndromes, Hereditary; Tumor predisposition; Hereditary Cancer Syndrome; Hereditary neoplastic syndrome. Identifiers: Orphanet 140162, MedGen C0027672, MeSH D009386, MONDO:0015356.

Submission:

Ambry Genetics
Classification: Uncertain significance for Hereditary cancer-predisposing syndrome. Last evaluated: 2026-06-08. Review status: criteria provided, single submitter. Criteria: Ambry Variant Classification Scheme 2023. Collection method: clinical testing. Allele origin: germline.
Comment: The p.A199D variant (also known as c.596C>A), located in coding exon 5 of the FH gene, results from a C to A substitution at nucleotide position 596. The alanine at codon 199 is replaced by aspartic acid, an amino acid with dissimilar properties. This variant was reported in individual(s) with features consistent with FH-related tumor predisposition (Ambry internal data). This amino acid position is highly conserved in available vertebrate species. In addition, this alteration is predicted to be deleterious by in silico analysis. Since supporting evidence is limited at this time, the clinical significance of this alteration remains unclear.

NM_000143.4(FH):c.596C>A (p.Ala199Asp)

Gene: FH (fumarate hydratase; minus strand). Cytogenetic location: 1q43.
Variant type: single nucleotide variant.
Coding change: c.596C>A on transcript NM_000143.4 (MANE Select); coding-DNA position 596, C replaced by A.
Protein change: p.Ala199Asp; replaces alanine 199 with aspartic acid.
Molecular consequence: missense variant.
Genome position (GRCh38, 1-based): chr1:241,508,745, G>T on the plus strand (C>A on the coding strand, the complement: FH is on the minus strand). VCF-style: chr1-241508745-G-T. GRCh37 (hg19) VCF-style: chr1-241672045-G-T.
Other names: short protein forms A199D.
Identifiers: ClinVar variation 1750770 (VCV001750770.3), dbSNP rs775099009, ClinGen allele CA345439425.